The following is an entry in ClinVar:

NM_001271696.3(ABCB7):c.*115_*119del

Gene: ABCB7 (ATP binding cassette subfamily B member 7; minus strand). Cytogenetic location: Xq13.3.
Variant type: Deletion.
Coding change: c.*115_*119del on transcript NM_001271696.3 (MANE Select); 115 bases downstream of the stop codon through 119 bases downstream of the stop codon, 5 bases deleted (AAGAT; older notation c.*115_*119delAAGAT).
Molecular consequence: 3 prime UTR variant.
Genome position (GRCh38, 1-based): chrX:75,053,251-75,053,255, ATCTT deleted on the plus strand (AAGAT on the coding strand, the reverse complement: ABCB7 is on the minus strand); deleting any 5 consecutive bases within chrX:75,053,251-75,053,259 gives the same sequence; the c. name uses the placement nearest the transcript's 3' end. VCF-style (leftmost placement, unchanged base first): chrX-75053250-AATCTT-A. GRCh37 (hg19) VCF-style: chrX-74273085-AATCTT-A.
Other names: c.*115_*119del (NM_001271697.3, NM_001271698.3, NM_001271699.3 and 1 more transcripts).
Identifiers: ClinVar variation 2660938 (VCV002660938.24), dbSNP rs765754237, ClinGen allele CA331329610.
Genomic context (GRCh38, chrX:75,053,250, plus strand): 5'-ATACAGATGCCACATTAAATAGACTATGAAAGATGTAAAACTCAAATCCCCTTTTAAATA[AATCTT>A]ATCTAAAAGAAGGATTATAGAAAATGGGAATGTATGATTTTTTTAATAAAACAATTCTGC-3'

ClinVar aggregate classification (germline): Likely benign (1 of 4 stars; one submission).

Submission:

CeGaT Center for Human Genetics Tuebingen
Classification: Likely benign. Last evaluated: 2023-03-01. Review status: criteria provided, single submitter. Criteria: CeGaT Center For Human Genetics Tuebingen Variant Classification Criteria Version 2. Collection method: clinical testing. Allele origin: germline. Affected: yes. Observed: 2 variant alleles.
Comment: ABCB7: BS2